The following is an entry in ClinVar:

NM_002804.5(PSMC3):c.821T>C (p.Leu274Pro)

Gene: PSMC3 (proteasome 26S subunit, ATPase 3; minus strand). Cytogenetic location: 11p11.2.
Variant type: single nucleotide variant.
Coding change: c.821T>C on transcript NM_002804.5 (MANE Select); coding-DNA position 821, T replaced by C.
Protein change: p.Leu274Pro; replaces leucine 274 with proline.
Molecular consequence: missense variant.
Genome position (GRCh38, 1-based): chr11:47,422,637, A>G on the plus strand (T>C on the coding strand, the complement: PSMC3 is on the minus strand). VCF-style: chr11-47422637-A-G. GRCh37 (hg19) VCF-style: chr11-47444188-A-G.
Other names: short protein forms L274P.
Identifiers: ClinVar variation 3371983 (VCV003371983.1).

ClinVar aggregate classification (germline): Uncertain significance (1 of 4 stars; one submission).

Submission:

GeneDx
Classification: Uncertain significance. Last evaluated: 2024-04-02. Review status: criteria provided, single submitter. Criteria: GeneDx Variant Classification Process June 2021. Collection method: clinical testing. Allele origin: germline. Affected: yes.
Comment: Not observed at significant frequency in large population cohorts (gnomAD); In silico analysis supports that this missense variant has a deleterious effect on protein structure/function; Has not been previously published as pathogenic or benign to our knowledge